The following is an entry in ClinVar:

NM_000489.6(ATRX):c.1253G>A (p.Arg418Gln)

Gene: ATRX (ATRX chromatin remodeler; minus strand). Cytogenetic location: Xq21.1.
Variant type: single nucleotide variant.
Coding change: c.1253G>A on transcript NM_000489.6 (MANE Select); coding-DNA position 1253, G replaced by A.
Protein change: p.Arg418Gln; replaces arginine 418 with glutamine.
Molecular consequence: missense variant.
Genome position (GRCh38, 1-based): chrX:77,684,003, C>T on the plus strand (G>A on the coding strand, the complement: ATRX is on the minus strand). VCF-style: chrX-77684003-C-T. GRCh37 (hg19) VCF-style: chrX-76939495-C-T.
Other names: c.1139G>A, p.Arg380Gln (NM_138270.5); short protein forms R380Q, R418Q.
Identifiers: ClinVar variation 928725 (VCV000928725.5), dbSNP rs1557142053, ClinGen allele CA413718892.

ClinVar aggregate classification (germline): Conflicting classifications of pathogenicity. Review status: criteria provided, conflicting classifications (1 of 4 stars). 2 submissions from 2 submitters: Uncertain significance (1); Likely benign (1). Last evaluated 2022-11-04.

Conditions:
Alpha thalassemia-X-linked intellectual disability syndrome (ATRX). Also called: ALPHA-THALASSEMIA/MENTAL RETARDATION SYNDROME, X-LINKED; ATR, NONDELETION TYPE; ATR-X syndrome; Alpha thalassemia mental retardation syndrome, nondeletion type, X-linked; XLMR hypotonic face syndrome; X-linked alpha-thalassemia-mental retardation syndrome. Identifiers: Orphanet 847, MedGen C1845055, MONDO:0010519, OMIM 301040.

Allele frequency attached by ClinVar (database versions not stated): gnomAD exomes below 0.00001 and 0.00001.
gnomAD v4.1: 2 of 1,207,692 alleles (0.00017%); highest among the groups gnomAD compares: African/African-American, 0.0017%; no homozygotes.

Submissions (2):

Labcorp Genetics (formerly Invitae), Labcorp
Classification: Likely benign for Alpha thalassemia-X-linked intellectual disability syndrome. Last evaluated: 2022-11-04. Review status: criteria provided, single submitter. Criteria: Invitae Variant Classification Sherloc (09022015). Collection method: clinical testing. Allele origin: germline.

Women's Health and Genetics/Laboratory Corporation of America, LabCorp
Classification: Uncertain significance. Last evaluated: 2020-12-01. Review status: criteria provided, single submitter. Criteria: LabCorp Variant Classification Summary - May 2015. Collection method: clinical testing. Allele origin: germline.
Comment: Variant summary: ATRX c.1253G>A (p.Arg418Gln) results in a conservative amino acid change in the encoded protein sequence. Five of five in-silico tools predict a benign effect of the variant on protein function. The variant allele was found at a frequency of 5.5e-06 in 182622 control chromosomes (gnomAD). The available data on variant occurrences in the general population are insufficient to allow any conclusion about variant significance. To our knowledge, no occurrence of c.1253G>A in individuals affected with ATR-X Syndrome and no experimental evidence demonstrating its impact on protein function have been reported. No clinical diagnostic laboratories have submitted clinical-significance assessments for this variant to ClinVar after 2014. Based on the evidence outlined above, the variant was classified as uncertain significance.